The following is an entry in ClinVar:

NM_001374736.1(DST):c.13970C>G (p.Thr4657Ser)

Gene: DST (dystonin; minus strand). Cytogenetic location: 6p12.1.
Variant type: single nucleotide variant.
Coding change: c.13970C>G on transcript NM_001374736.1 (MANE Select); coding-DNA position 13970, C replaced by G.
Protein change: p.Thr4657Ser; replaces threonine 4657 with serine.
Molecular consequence: missense variant.
Genome position (GRCh38, 1-based): chr6:56,568,504, G>C on the plus strand (C>G on the coding strand, the complement: DST is on the minus strand). VCF-style: chr6-56568504-G-C. GRCh37 (hg19) VCF-style: chr6-56433302-G-C.
Other names: c.7613C>G, p.Thr2538Ser (NM_001144769.5); c.7199C>G, p.Thr2400Ser (NM_001144770.2); c.13970C>G, p.Thr4657Ser (NM_001374722.1); c.13337C>G, p.Thr4446Ser (NM_001374729.1); c.7079C>G, p.Thr2360Ser (NM_001374730.1, NM_183380.4); c.13997C>G, p.Thr4666Ser (NM_001374734.1); c.6101C>G, p.Thr2034Ser (NM_015548.5); short protein forms T2400S, T4666S, T4657S, T2034S, T2360S, T2538S, T4446S.
Identifiers: ClinVar variation 970358 (VCV000970358.9), dbSNP rs528578142, ClinGen allele CA3868132.

ClinVar aggregate classification (germline): Uncertain significance. Review status: criteria provided, multiple submitters, no conflicts (2 of 4 stars). 2 submissions from 2 submitters: Uncertain significance (2). Last evaluated 2022-10-25.

Conditions:
Inborn genetic diseases. Identifiers: MedGen C0950123, MeSH D030342.
Epidermolysis bullosa simplex 3, localized or generalized intermediate, with BP230 deficiency (EBS3). Also called: Epidermolysis bullosa simplex, autosomal recessive 2; Epidermolysis bullosa simplex due to BP230 deficiency. Identifiers: Orphanet 412181, MedGen C3809470, MONDO:0014180, OMIM 615425.
Hereditary sensory and autonomic neuropathy type 6. Also called: Neuropathy, hereditary sensory and autonomic, type VI; HSAN VI. Identifiers: Orphanet 314381, MedGen C3539003, MONDO:0013839, OMIM 614653.

Allele frequency attached by ClinVar (database versions not stated): ExAC 0.00001; gnomAD exomes 0.00002; gnomAD 0.00011 and 0.00013; 1000 Genomes Project 30x 0.00016; 1000 Genomes Project 0.00020; TOPMed 0.00023.
gnomAD v4.1: 31 of 1,610,840 alleles (0.0019%); highest among the groups gnomAD compares: Admixed American, 0.039%; 1 homozygote.

Submissions (2):

Labcorp Genetics (formerly Invitae), Labcorp
Classification: Uncertain significance for Epidermolysis bullosa simplex 3, localized or generalized intermediate, with BP230 deficiency; Hereditary sensory and autonomic neuropathy type 6. Last evaluated: 2022-10-25. Review status: criteria provided, single submitter. Criteria: Invitae Variant Classification Sherloc (09022015). Collection method: clinical testing. Allele origin: germline.
Comment: The DST gene has multiple clinically relevant transcripts. This variant occurs in alternate transcript NM_015548.4, and corresponds to NM_001723.5:c.*47013C>G in the primary transcript. This sequence change replaces threonine, which is neutral and polar, with serine, which is neutral and polar, at codon 2034 of the DST protein (p.Thr2034Ser). This variant is present in population databases (rs528578142, gnomAD 0.009%). This variant has not been reported in the literature in individuals affected with DST-related conditions. In summary, the available evidence is currently insufficient to determine the role of this variant in disease. Therefore, it has been classified as a Variant of Uncertain Significance.

Ambry Genetics
Classification: Uncertain significance for Inborn genetic diseases. Last evaluated: 2019-11-12. Review status: criteria provided, single submitter. Criteria: Ambry Variant Classification Scheme 2023. Collection method: clinical testing. Allele origin: germline.
Comment: The p.T2538S variant (also known as c.7613C>G), located in coding exon 49 of the DST gene, results from a C to G substitution at nucleotide position 7613. The threonine at codon 2538 is replaced by serine, an amino acid with similar properties. This amino acid position is well conserved in available vertebrate species. In addition, this alteration is predicted to be tolerated by in silico analysis. Since supporting evidence is limited at this time, the clinical significance of this alteration remains unclear.